The following is an entry in ClinVar:

NM_007294.4(BRCA1):c.548-80T>C

Gene: BRCA1 (BRCA1 DNA repair associated; minus strand). Cytogenetic location: 17q21.31.
Variant type: single nucleotide variant.
Coding change: c.548-80T>C on transcript NM_007294.4 (MANE Select); 80 bases into the intron before coding-DNA position 548, T replaced by C.
Molecular consequence: intron variant.
Genome position (GRCh38, 1-based): chr17:43,097,369, A>G on the plus strand (T>C on the coding strand, the complement: BRCA1 is on the minus strand). VCF-style: chr17-43097369-A-G. GRCh37 (hg19) VCF-style: chr17-41249386-A-G.
Other names: IVS 8-80T>C; c.548-80T>C (NM_007300.3, NM_001407980.1, NM_001407993.1 and 59 more transcripts); c.407-80T>C (NM_001408458.1, NM_001408469.1, NM_001408453.1 and 43 more transcripts); c.-218-2509T>C (NM_001407967.1, NM_001407966.1); c.167-80T>C (NM_001407959.1, NM_001408510.1, NM_001407963.1 and 1 more transcripts); c.403+2406T>C (NM_001407931.1, NM_001407932.1, NM_001408503.1 and 6 more transcripts); c.404-80T>C (NM_001407747.1, NM_001408470.1, NM_001407848.1 and 26 more transcripts); c.164-80T>C (NM_001407962.1); and 15 more.
Identifiers: ClinVar variation 209452 (VCV000209452.9), dbSNP rs8176143, ClinGen allele CA276423.

ClinVar aggregate classification (germline): Benign. Review status: reviewed by expert panel (3 of 4 stars). 6 submissions from 6 submitters: Benign (1). 5 of the submissions do not count toward it. Last evaluated 2015-01-12.

Conditions:
Hereditary cancer-predisposing syndrome. Also called: Tumor predisposition; Hereditary Cancer Syndrome; Neoplastic Syndromes, Hereditary; Hereditary neoplastic syndrome. Identifiers: Orphanet 140162, MedGen C0027672, MeSH D009386, MONDO:0015356.
Breast-ovarian cancer, familial, susceptibility to, 1 (BROVCA1). Also called: BRCA1 Hereditary Breast and Ovarian Cancer; OVARIAN CANCER, SUSCEPTIBILITY TO. Identifiers: Orphanet 145, MedGen C2676676, MONDO:0011450, OMIM 604370. Disease mechanism: loss of function.
Malignant tumor of breast. Also called: Malignant breast neoplasm; Cancer breast. Identifiers: MedGen C0006142, MONDO:0007254. Disease mechanism: loss of function.

Allele frequency attached by ClinVar (database versions not stated): gnomAD 0.00634 and 0.00692; 1000 Genomes Project 0.00679; 1000 Genomes Project 30x 0.00687; TOPMed 0.00720.
gnomAD v4.1: 1,607 of 1,152,990 alleles (0.14%); highest among the groups gnomAD compares: African/African-American, 2.2%; 21 homozygotes.

Submissions (6):

Evidence-based Network for the Interpretation of Germline Mutant Alleles (ENIGMA)
Classification: Benign for Breast-ovarian cancer, familial 1. Last evaluated: 2015-01-12. Review status: reviewed by expert panel. Criteria: ENIGMA BRCA1/2 Classification Criteria (2015). Collection method: curation. Allele origin: germline.
Comment: Class 1 not pathogenic based on frequency >1% in an outbred sampleset. Frequency 0.02846 (African), derived from 1000 genomes (2012-04-30).

KCCC/NGS Laboratory, Kuwait Cancer Control Center
Classification: Benign for Breast-ovarian cancer, familial, susceptibility to, 1. Last evaluated: 2023-07-07. Review status: criteria provided, single submitter. Criteria: ACMG Guidelines, 2015. Collection method: clinical testing. Allele origin: germline. Affected: yes. Not counted in ClinVar's aggregate classification.

GeneDx
Classification: Likely benign. Last evaluated: 2018-06-21. Review status: criteria provided, single submitter. Criteria: GeneDx Variant Classification Process June 2021. Collection method: clinical testing. Allele origin: germline. Affected: yes. Not counted in ClinVar's aggregate classification.

Breakthrough Genomics
Classification: Benign. Review status: criteria provided, single submitter. Criteria: ACMG Guidelines, 2015. Collection method: not provided. Allele origin: germline. Inheritance: Autosomal recessive inheritance. Affected: yes. Not counted in ClinVar's aggregate classification.

University of Washington Department of Laboratory Medicine, University of Washington
Classification: Likely benign for Hereditary cancer-predisposing syndrome. Last evaluated: 2015-12-01. Review status: no assertion criteria provided. Collection method: clinical testing. Allele origin: germline. Affected: yes. Not counted in ClinVar's aggregate classification.

Department of Pathology and Laboratory Medicine, Sinai Health System
Classification: Uncertain significance for Malignant tumor of breast. Review status: no assertion criteria provided. Collection method: clinical testing. Allele origin: unknown. Affected: yes. Study: The Canadian Open Genetics Repository (COGR). Not counted in ClinVar's aggregate classification.